The following is an entry in ClinVar:

NM_001370658.1(BTD):c.-59T>A

Gene: BTD (biotinidase; plus strand). Cytogenetic location: 3p25.1.
Variant type: single nucleotide variant.
Coding change: c.-59T>A on transcript NM_001370658.1 (MANE Select); 59 bases upstream of the start codon, T replaced by A.
Molecular consequence: 5 prime UTR variant. On other transcripts: non-coding transcript variant (1), intron variant (4).
Genome position (GRCh38, 1-based): chr3:15,601,852, T>A. VCF-style: chr3-15601852-T-A. GRCh37 (hg19) VCF-style: chr3-15643359-T-A.
Other names: c.-247T>A (NM_001281724.3); c.-59T>A (NM_001281726.3, NM_001370752.1, NM_001370753.1 and 3 more transcripts); c.-335T>A (NM_001323582.2, NM_001407384.1); c.-624T>A (NM_001407366.1); c.-610T>A (NM_001407369.1); c.-216T>A (NM_001407372.1); c.-178T>A (NM_001407373.1); c.-233T>A (NM_001407374.1, NM_001407390.1); and 6 more.
Identifiers: ClinVar variation 552501 (VCV000552501.5), dbSNP rs768258310, ClinGen allele CA2277174.

ClinVar aggregate classification (germline): Uncertain significance. Review status: criteria provided, single submitter (1 of 4 stars). 2 submissions from 2 submitters: Uncertain significance (1). 1 of the submissions does not count toward it. Last evaluated 2022-04-23.

Conditions:
Biotinidase deficiency. Also called: BTD deficiency; Late-onset biotin-responsive multiple carboxylase deficiency; Biotin deficiency. Identifiers: Orphanet 79241, MedGen C0220754, MONDO:0009665, OMIM 253260.

Allele frequency attached by ClinVar (database versions not stated): gnomAD 0.00001; TOPMed 0.00001; ExAC 0.00002.
gnomAD v4.1: 76 of 1,613,994 alleles (0.0047%); highest among the groups gnomAD compares: Non-Finnish European, 0.0061%; no homozygotes.

Submissions (2):

Labcorp Genetics (formerly Invitae), Labcorp
Classification: Uncertain significance for Biotinidase deficiency. Last evaluated: 2022-04-23. Review status: criteria provided, single submitter. Criteria: Invitae Variant Classification Sherloc (09022015). Collection method: clinical testing. Allele origin: germline.
Comment: This sequence change affects the initiator methionine of the BTD mRNA. The next in-frame methionine is located at codon 21. This variant is present in population databases (rs768258310, gnomAD 0.003%). This variant has not been reported in the literature in individuals affected with BTD-related conditions. ClinVar contains an entry for this variant (Variation ID: 552501). Experimental studies and prediction algorithms are not available or were not evaluated, and the functional significance of this variant is currently unknown. In summary, the available evidence is currently insufficient to determine the role of this variant in disease. Therefore, it has been classified as a Variant of Uncertain Significance.

Counsyl
Classification: Uncertain significance for Biotinidase deficiency. Last evaluated: 2017-06-13. Review status: no assertion criteria provided. Collection method: clinical testing. Allele origin: unknown. Not counted in ClinVar's aggregate classification.

Literature cited by the submitters: PubMed 11668630 (cited by Counsyl); PubMed 10655158 (cited by Counsyl).